The following is an entry in ClinVar:

ClinVar aggregate classification (germline): Uncertain significance (1 of 4 stars; one submission).

Conditions:
Bethlem myopathy 1A. Also called: Bethlem myopathy 1; Bethlem Muscular Dystrophy; MYOPATHY, BENIGN CONGENITAL, WITH CONTRACTURES. Identifiers: Orphanet 610, MedGen CN029274, MONDO:0024530, OMIM 158810.

Submission:

Labcorp Genetics (formerly Invitae), Labcorp
Classification: Uncertain significance for Bethlem myopathy 1A. Last evaluated: 2025-05-17. Review status: criteria provided, single submitter. Criteria: Invitae Variant Classification Sherloc (09022015). Collection method: clinical testing. Allele origin: germline.
Comment: This variant, c.443_454del, results in the deletion of 4 amino acid(s) of the COL6A2 protein (p.Asp148_Lys151del), but otherwise preserves the integrity of the reading frame. This variant is not present in population databases (gnomAD no frequency). This variant has not been reported in the literature in individuals affected with COL6A2-related conditions. Experimental studies and prediction algorithms are not available or were not evaluated, and the functional significance of this variant is currently unknown. In summary, the available evidence is currently insufficient to determine the role of this variant in disease. Therefore, it has been classified as a Variant of Uncertain Significance.

NM_001849.4(COL6A2):c.443_454del (p.Asp148_Lys151del)

Gene: COL6A2 (collagen type VI alpha 2 chain; plus strand). Cytogenetic location: 21q22.3.
Variant type: Deletion.
Coding change: c.443_454del on transcript NM_001849.4 (MANE Select); coding-DNA positions 443 to 454, 12 bases deleted (ACCGCAGCAAGG).
Protein change: p.Asp148_Lys151del.
Genome position (GRCh38, 1-based): chr21:46,112,306-46,112,317, ACCGCAGCAAGG deleted; deleting any 12 consecutive bases within chr21:46,112,303-46,112,317 gives the same sequence; the c. name uses the placement nearest the transcript's 3' end. VCF-style (leftmost placement, unchanged base first): chr21-46112302-CAGGACCGCAGCA-C. GRCh37 (hg19) VCF-style: chr21-47532216-CAGGACCGCAGCA-C.
Other names: c.443_454del, p.Asp148_Lys151del (NM_058174.3, NM_058175.3).
Identifiers: ClinVar variation 4765304 (VCV004765304.1).